The following is an entry in ClinVar:

NM_001394062.1(MACF1):c.12475C>T (p.Arg4159Trp)

Gene: MACF1 (microtubule actin crosslinking factor 1; plus strand). Cytogenetic location: 1p34.3.
Variant type: single nucleotide variant.
Coding change: c.12475C>T on transcript NM_001394062.1 (MANE Select); coding-DNA position 12475, C replaced by T.
Protein change: p.Arg4159Trp; replaces arginine 4159 with tryptophan.
Molecular consequence: missense variant.
Genome position (GRCh38, 1-based): chr1:39,361,381, C>T. VCF-style: chr1-39361381-C-T. GRCh37 (hg19) VCF-style: chr1-39827053-C-T.
Other names: c.6289C>T, p.Arg2097Trp (NM_012090.5); short protein forms R2097W, R4159W.
Identifiers: ClinVar variation 4874795 (VCV004874795.2).
Genomic context (GRCh38, chr1:39,361,381, plus strand): 5'-AAGTGAACCAGGAGCTGACAGACGTGTTCTTCATGACAGAAATTGAAGCAGGACATTGCT[C>T]GGCAAAAGAGCAGCTTGGAGGCCACCCGTGAGATGGTGACCCGATTCATGGAGACAGCAG-3'
Protein context (NP_001380991.1, residues 4149-4169): TNMKLKQDIA[Arg4159Trp]QKSSLEATRE

ClinVar aggregate classification (germline): Likely benign (1 of 4 stars; one submission).

gnomAD v4.1: 19 of 1,613,208 alleles (0.0012%); highest among the groups gnomAD compares: Admixed American, 0.012%; no homozygotes.

Submission:

CeGaT Center for Human Genetics Tuebingen
Classification: Likely benign. Last evaluated: 2026-06-01. Review status: criteria provided, single submitter. Criteria: CeGaT Center For Human Genetics Tuebingen Variant Classification Criteria Version 2. Collection method: clinical testing. Allele origin: germline. Affected: yes. Observed: 1 variant allele.
Comment: MACF1: BP4, BS2